The following is an entry in ClinVar:

NM_018117.12(WDR11):c.797G>A (p.Arg266Gln)

Gene: WDR11 (WD repeat domain 11; plus strand). Cytogenetic location: 10q26.12.
Variant type: single nucleotide variant.
Coding change: c.797G>A on transcript NM_018117.12 (MANE Select); coding-DNA position 797, G replaced by A.
Protein change: p.Arg266Gln; replaces arginine 266 with glutamine.
Molecular consequence: missense variant.
Genome position (GRCh38, 1-based): chr10:120,865,130, G>A. VCF-style: chr10-120865130-G-A. GRCh37 (hg19) VCF-style: chr10-122624642-G-A.
Other names: short protein forms R266Q.
Identifiers: ClinVar variation 4775696 (VCV004775696.1).

ClinVar aggregate classification (germline): Uncertain significance (1 of 4 stars; one submission).

gnomAD v4.1: 17 of 1,613,802 alleles (0.0011%); highest among the groups gnomAD compares: African/African-American, 0.0013%; no homozygotes.

Submission:

Labcorp Genetics (formerly Invitae), Labcorp
Classification: Uncertain significance. Last evaluated: 2025-09-20. Review status: criteria provided, single submitter. Criteria: Invitae Variant Classification Sherloc (09022015). Collection method: clinical testing. Allele origin: germline.
Comment: This sequence change replaces arginine, which is basic and polar, with glutamine, which is neutral and polar, at codon 266 of the WDR11 protein (p.Arg266Gln). This variant is present in population databases (rs774442833, gnomAD 0.004%). This variant has not been reported in the literature in individuals affected with WDR11-related conditions. An algorithm developed to predict the effect of missense changes on protein structure and function (PolyPhen-2) suggests that this variant is likely to be disruptive. In summary, the available evidence is currently insufficient to determine the role of this variant in disease. Therefore, it has been classified as a Variant of Uncertain Significance.